The following is an entry in ClinVar:

NM_001379500.1(COL18A1):c.*71G>A

Genes: COL18A1 (collagen type XVIII alpha 1 chain; plus strand), SLC19A1 (solute carrier family 19 member 1; minus strand). Cytogenetic location: 21q22.3.
Variant type: single nucleotide variant.
Coding change: c.*71G>A on transcript NM_001379500.1 (MANE Select); 71 bases downstream of the stop codon, G replaced by A.
Molecular consequence: 3 prime UTR variant.
Genome position (GRCh38, 1-based): chr21:45,512,469, G>A. VCF-style: chr21-45512469-G-A. GRCh37 (hg19) VCF-style: chr21-46932383-G-A.
Other names: NM_130445.2:c.*71G>A; c.*71G>A (NM_030582.4, NM_130444.3).
Identifiers: ClinVar variation 340276 (VCV000340276.9), dbSNP rs8199, ClinGen allele CA10644825.

ClinVar aggregate classification (germline): Benign. Review status: criteria provided, multiple submitters, no conflicts (2 of 4 stars). 3 submissions from 3 submitters: Benign (3). Last evaluated 2021-05-10.

Conditions:
Knobloch syndrome (KNO). Also called: RETINAL DETACHMENT AND OCCIPITAL ENCEPHALOCELE; Myopia retinal detachment encephalocele. Identifiers: Orphanet 1571, MedGen C1849409, MONDO:0800166.

Allele frequency attached by ClinVar (database versions not stated): TOPMed 0.45918; 1000 Genomes Project 30x 0.50406; 1000 Genomes Project 0.50938.
gnomAD v4.1: 654,744 of 1,481,350 alleles (44%); highest among the groups gnomAD compares: East Asian, 57%; 145,859 homozygotes.

Submissions (3):

GeneDx
Classification: Benign. Last evaluated: 2021-05-10. Review status: criteria provided, single submitter. Criteria: GeneDx Variant Classification Process June 2021. Collection method: clinical testing. Allele origin: germline. Affected: yes.

Illumina Laboratory Services, Illumina
Classification: Benign for Knobloch syndrome 1. Last evaluated: 2018-01-12. Review status: criteria provided, single submitter. Criteria: ICSL Variant Classification Criteria 13 December 2019. Collection method: clinical testing. Allele origin: germline.
Comment: This variant was observed in the ICSL laboratory as part of a predisposition screen in an ostensibly healthy population. It had not been previously curated by ICSL or reported in the Human Gene Mutation Database (HGMD: prior to June 1st, 2018), and was therefore a candidate for classification through an automated scoring system. Utilizing variant allele frequency, disease prevalence and penetrance estimates, and inheritance mode, an automated score was calculated to assess if this variant is too frequent to cause the disease. Based on the score and internal cut-off values, a variant classified as benign is not then subjected to further curation. The score for this variant resulted in a classification of benign for this disease.

Breakthrough Genomics
Classification: Benign. Review status: criteria provided, single submitter. Criteria: ACMG Guidelines, 2015. Collection method: not provided. Allele origin: germline. Inheritance: Autosomal recessive inheritance. Affected: yes.